The following is an entry in ClinVar:

ClinVar aggregate classification (germline): Uncertain significance (1 of 4 stars; one submission).

Conditions:
Cardiovascular phenotype. Identifiers: MedGen CN230736.

Submission:

Ambry Genetics
Classification: Uncertain significance for Cardiovascular phenotype. Last evaluated: 2025-05-14. Review status: criteria provided, single submitter. Criteria: Ambry Variant Classification Scheme 2023. Collection method: clinical testing. Allele origin: germline.
Comment: The p.A155S variant (also known as c.463G>T), located in coding exon 4 of the ABCG5 gene, results from a G to T substitution at nucleotide position 463. The alanine at codon 155 is replaced by serine, an amino acid with similar properties. This amino acid position is conserved. In addition, this alteration is predicted to be tolerated by in silico analysis. Based on the available evidence, the clinical significance of this variant remains unclear.

NM_022436.3(ABCG5):c.463G>T (p.Ala155Ser)

Gene: ABCG5 (ATP binding cassette subfamily G member 5; minus strand). Cytogenetic location: 2p21.
Variant type: single nucleotide variant.
Coding change: c.463G>T on transcript NM_022436.3 (MANE Select); coding-DNA position 463, G replaced by T.
Protein change: p.Ala155Ser; replaces alanine 155 with serine.
Molecular consequence: missense variant.
Genome position (GRCh38, 1-based): chr2:43,831,807, C>A on the plus strand (G>T on the coding strand, the complement: ABCG5 is on the minus strand). VCF-style: chr2-43831807-C-A. GRCh37 (hg19) VCF-style: chr2-44058946-C-A.
Other names: short protein forms A155S.
Identifiers: ClinVar variation 3992561 (VCV003992561.1).